The following is an entry in ClinVar:

NM_015443.4(KANSL1):c.361C>G (p.Arg121Gly)

Gene: KANSL1 (KAT8 regulatory NSL complex subunit 1). Cytogenetic location: 17q21.31.
Variant type: single nucleotide variant.
Coding change: c.361C>G on transcript NM_015443.4 (MANE Select); coding-DNA position 361, C replaced by G.
Protein change: p.Arg121Gly; replaces arginine 121 with glycine.
Molecular consequence: missense variant.
Genome position (GRCh38, 1-based): chr17:46,171,783, G>C on the plus strand (C>G on the coding strand, the complement: KANSL1 is on the minus strand). VCF-style: chr17-46171783-G-C. GRCh37 (hg19) VCF-style: chr17-44249149-G-C.
Other names: c.361C>G, p.Arg121Gly (NM_001193465.2, NM_001193466.2, NM_001379198.1); short protein forms R121G.
Identifiers: ClinVar variation 1478948 (VCV001478948.5), dbSNP rs868719408, ClinGen allele CA399982121.

ClinVar aggregate classification (germline): Uncertain significance (1 of 4 stars; one submission).

Conditions:
Koolen-de Vries syndrome (KDVS). Identifiers: Orphanet 96169, MedGen C1864871, MONDO:0012496, OMIM 610443.

gnomAD v4.1: 1 of 1,610,858 alleles (0.000062%); highest among the groups gnomAD compares: Non-Finnish European, 0.000085%; no homozygotes.

Submission:

Labcorp Genetics (formerly Invitae), Labcorp
Classification: Uncertain significance for Koolen-de Vries syndrome. Last evaluated: 2021-09-17. Review status: criteria provided, single submitter. Criteria: Invitae Variant Classification Sherloc (09022015). Collection method: clinical testing. Allele origin: germline.
Comment: Due to the possible presence of a polymorphic segmental duplication, the location of the variant could not be unambiguously resolved. Variants with ambiguous mapping are still reported relative to the KANSL1 transcript. This sequence change replaces arginine with glycine at codon 121 of the KANSL1 protein (p.Arg121Gly). The arginine residue is highly conserved and there is a moderate physicochemical difference between arginine and glycine. The frequency data for this variant in the population databases (ExAC) is considered unreliable due to the presence of homologous sequence, such as pseudogenes or paralogs, in the genome. This variant has not been reported in the literature in individuals with KANSL1-related conditions. Algorithms developed to predict the effect of missense changes on protein structure and function are either unavailable or do not agree on the potential impact of this missense change (SIFT: "Deleterious"; PolyPhen-2: "Benign"; Align-GVGD: "Class C0"). Until the location of this sequence change can be resolved, the clinical significance of this variant remains uncertain. It has been classified as a Variant of Uncertain Significance.